The following is an entry in ClinVar:

NM_133259.4(LRPPRC):c.3802G>A (p.Asp1268Asn)

Gene: LRPPRC (leucine rich pentatricopeptide repeat containing; minus strand). Cytogenetic location: 2p21.
Variant type: single nucleotide variant.
Coding change: c.3802G>A on transcript NM_133259.4 (MANE Select); coding-DNA position 3802, G replaced by A.
Protein change: p.Asp1268Asn; replaces aspartic acid 1268 with asparagine.
Molecular consequence: missense variant.
Genome position (GRCh38, 1-based): chr2:43,899,242, C>T on the plus strand (G>A on the coding strand, the complement: LRPPRC is on the minus strand). VCF-style: chr2-43899242-C-T. GRCh37 (hg19) VCF-style: chr2-44126381-C-T.
Other names: short protein forms D1268N.
Identifiers: ClinVar variation 2187024 (VCV002187024.1), dbSNP rs1416711428, ClinGen allele CA346676407.

ClinVar aggregate classification (germline): Uncertain significance (1 of 4 stars; one submission).

Allele frequency attached by ClinVar (database versions not stated): gnomAD exomes below 0.00001.
gnomAD v4.1: 2 of 1,613,950 alleles (0.00012%); highest among the groups gnomAD compares: South Asian, 0.0011%; no homozygotes.

Submission:

Labcorp Genetics (formerly Invitae), Labcorp
Classification: Uncertain significance. Last evaluated: 2022-05-06. Review status: criteria provided, single submitter. Criteria: Invitae Variant Classification Sherloc (09022015). Collection method: clinical testing. Allele origin: germline.
Comment: This sequence change replaces aspartic acid, which is acidic and polar, with asparagine, which is neutral and polar, at codon 1268 of the LRPPRC protein (p.Asp1268Asn). This variant is present in population databases (no rsID available, gnomAD 0.0009%). This variant has not been reported in the literature in individuals affected with LRPPRC-related conditions. Algorithms developed to predict the effect of missense changes on protein structure and function are either unavailable or do not agree on the potential impact of this missense change (SIFT: "Tolerated"; PolyPhen-2: "Possibly Damaging"; Align-GVGD: "Class C0"). Algorithms developed to predict the effect of sequence changes on RNA splicing suggest that this variant may create or strengthen a splice site. In summary, the available evidence is currently insufficient to determine the role of this variant in disease. Therefore, it has been classified as a Variant of Uncertain Significance.